The following is an entry in ClinVar:

ClinVar aggregate classification (germline): Pathogenic/Likely pathogenic. Review status: criteria provided, multiple submitters, no conflicts (2 of 4 stars). 2 submissions from 2 submitters: Pathogenic (1); Likely pathogenic (1). Last evaluated 2022-05-25.

Conditions:
Immunodeficiency, common variable, 12 (CVID12). Also called: IMMUNODEFICIENCY, COMMON VARIABLE, 12, WITH AUTOIMMUNITY; NFKB1 DEFICIENCY. Identifiers: Orphanet 1572, Orphanet 696874, MedGen C4225277, MONDO:0014697, OMIM 616576.

Submissions (2):

Labcorp Genetics (formerly Invitae), Labcorp
Classification: Likely pathogenic. Last evaluated: 2022-05-25. Review status: criteria provided, single submitter. Criteria: Invitae Variant Classification Sherloc (09022015). Collection method: clinical testing. Allele origin: germline.
Comment: This sequence change affects a donor splice site in intron 4 of the NFKB1 gene. It is expected to disrupt RNA splicing. Variants that disrupt the donor or acceptor splice site typically lead to a loss of protein function (PMID: 16199547), and loss-of-function variants in NFKB1 are known to be pathogenic (PMID: 26279205, 29477724). In summary, the currently available evidence indicates that the variant is pathogenic, but additional data are needed to prove that conclusively. Therefore, this variant has been classified as Likely Pathogenic. Algorithms developed to predict the effect of sequence changes on RNA splicing suggest that this variant may disrupt the consensus splice site. ClinVar contains an entry for this variant (Variation ID: 976031). This variant has not been reported in the literature in individuals affected with NFKB1-related conditions. This variant is not present in population databases (gnomAD no frequency).

Institute of Human Genetics, University of Leipzig Medical Center
Classification: Pathogenic for Immunodeficiency, common variable, 12. Last evaluated: 2019-05-21. Review status: criteria provided, single submitter. Criteria: ACMG Guidelines, 2015. Collection method: clinical testing. Allele origin: germline. Affected: yes. Observed: 1 variant allele.

Literature cited by the submitters: PubMed 16199547 (cited by Labcorp Genetics (formerly Invitae), Labcorp); PubMed 26279205 (cited by Labcorp Genetics (formerly Invitae), Labcorp); PubMed 29477724 (cited by Labcorp Genetics (formerly Invitae), Labcorp).

NM_003998.4(NFKB1):c.159+1G>A

Gene: NFKB1 (nuclear factor kappa B subunit 1; plus strand). Cytogenetic location: 4q24.
Variant type: single nucleotide variant.
Coding change: c.159+1G>A on transcript NM_003998.4 (MANE Select); the canonical splice donor site of the intron after coding-DNA position 159, G replaced by A.
Molecular consequence: splice donor variant.
Genome position (GRCh38, 1-based): chr4:102,533,886, G>A. VCF-style: chr4-102533886-G-A. GRCh37 (hg19) VCF-style: chr4-103455043-G-A.
Other names: c.159+1G>A (NM_001382626.1, NM_001382625.1); c.156+1G>A (NM_001382627.1, NM_001165412.2, NM_001319226.2); c.117+1G>A (NM_001382628.1).
Identifiers: ClinVar variation 976031 (VCV000976031.9), dbSNP rs1741461840, ClinGen allele CA357957586.
Genomic context (GRCh38, chr4:102,533,886, plus strand): 5'-TTGTTGTTTTTGTTTTTAGCAGATGGCCCATACCTTCAAATATTAGAGCAACCTAAACAG[G>A]TAAGATTAAAGGGGTGGGACTTTAAATGTTAGATTCCAGTGTCTAATATTGAGATCATAA-3'